The following is an entry in ClinVar:

NM_020163.3(SEMA3G):c.929-6C>T

Gene: SEMA3G (semaphorin 3G; minus strand). Cytogenetic location: 3p21.1.
Variant type: single nucleotide variant.
Coding change: c.929-6C>T on transcript NM_020163.3 (MANE Select); 6 bases into the intron before coding-DNA position 929, C replaced by T.
Molecular consequence: intron variant.
Genome position (GRCh38, 1-based): chr3:52,440,829, G>A on the plus strand (C>T on the coding strand, the complement: SEMA3G is on the minus strand). VCF-style: chr3-52440829-G-A. GRCh37 (hg19) VCF-style: chr3-52474845-G-A.
Identifiers: ClinVar variation 4998687 (VCV004998687.1).
Genomic context (GRCh38, chr3:52,440,829, plus strand): 5'-AGCGCGTACACCTCGAGGCTCTTCCCGGCCTTGGGCCACAGCAGGAACACATCCTCTGGG[G>A]TAGAGAAAGGAGTATGAGTGTCATGGCCACCGCCAATGCCCTGACTCACCAGCTCTCAGC-3'

ClinVar aggregate classification (germline): Likely benign (1 of 4 stars; one submission).

Conditions:
SEMA3G-related disorder. Also called: SEMA3G-related condition.

gnomAD v4.1: 6 of 1,611,682 alleles (0.00037%); no homozygotes.

Submission:

PreventionGenetics, part of Exact Sciences
Classification: Likely benign for SEMA3G-related condition. Last evaluated: 2026-01-12. Review status: criteria provided, single submitter. Criteria: ACMG Guidelines, 2015. Collection method: clinical testing. Allele origin: germline.
Comment: This variant is classified as likely benign based on ACMG/AMP sequence variant interpretation guidelines (Richards et al. 2015 PMID: 25741868, with internal and published modifications).